The following is an entry in ClinVar:

NM_003324.5(TULP3):c.345C>G (p.Thr115=)

Gene: TULP3 (TUB like protein 3; plus strand). Cytogenetic location: 12p13.33.
Variant type: single nucleotide variant.
Coding change: c.345C>G on transcript NM_003324.5 (MANE Select); coding-DNA position 345, C replaced by G.
Protein change: p.Thr115=; no amino-acid change (threonine 115 retained).
Molecular consequence: synonymous variant.
Genome position (GRCh38, 1-based): chr12:2,922,353, C>G. VCF-style: chr12-2922353-C-G. GRCh37 (hg19) VCF-style: chr12-3031519-C-G.
Other names: c.345C>G, p.Thr115= (NM_001160408.2).
Identifiers: ClinVar variation 2642575 (VCV002642575.24), dbSNP rs775538452, ClinGen allele CA6392549.

ClinVar aggregate classification (germline): Likely benign (1 of 4 stars; one submission).

gnomAD v4.1: 16 of 1,614,058 alleles (0.00099%); highest among the groups gnomAD compares: South Asian, 0.0044%; no homozygotes.

Submission:

CeGaT Center for Human Genetics Tuebingen
Classification: Likely benign. Last evaluated: 2022-08-01. Review status: criteria provided, single submitter. Criteria: CeGaT Center For Human Genetics Tuebingen Variant Classification Criteria Version 2. Collection method: clinical testing. Allele origin: germline. Affected: yes. Observed: 1 variant allele.
Comment: TULP3: BP4, BP7